The following is an entry in ClinVar:

NM_021975.4(RELA):c.719C>T (p.Ser240Leu)

Gene: RELA (RELA proto-oncogene, NF-kB subunit; minus strand). Cytogenetic location: 11q13.1.
Variant type: single nucleotide variant.
Coding change: c.719C>T on transcript NM_021975.4 (MANE Select); coding-DNA position 719, C replaced by T.
Protein change: p.Ser240Leu; replaces serine 240 with leucine.
Molecular consequence: missense variant. On other transcripts: intron variant (2).
Genome position (GRCh38, 1-based): chr11:65,658,445, G>A on the plus strand (C>T on the coding strand, the complement: RELA is on the minus strand). VCF-style: chr11-65658445-G-A. GRCh37 (hg19) VCF-style: chr11-65425916-G-A.
Other names: c.710C>T, p.Ser237Leu (NM_001145138.2); c.719C>T, p.Ser240Leu (NM_001243984.2, NM_001243985.2); c.752C>T, p.Ser251Leu (NM_001404657.1); c.692C>T, p.Ser231Leu (NM_001404658.1); c.338C>T, p.Ser113Leu (NM_001404661.1); c.626C>T, p.Ser209Leu (NM_001404662.1, NM_001404663.1); c.559+1221C>T (NM_001404660.1); c.664+273C>T (NM_001404659.1); short protein forms S209L, S231L, S237L, S251L, S113L, S240L.
Identifiers: ClinVar variation 2539868 (VCV002539868.3), dbSNP rs1856484444, ClinGen allele CA381391227.

ClinVar aggregate classification (germline): Uncertain significance. Review status: criteria provided, multiple submitters, no conflicts (2 of 4 stars). 2 submissions from 2 submitters: Uncertain significance (2). Last evaluated 2025-05-04.

Allele frequency attached by ClinVar (database versions not stated): gnomAD 0.00001.

Submissions (2):

Labcorp Genetics (formerly Invitae), Labcorp
Classification: Uncertain significance. Last evaluated: 2025-05-04. Review status: criteria provided, single submitter. Criteria: Invitae Variant Classification Sherloc (09022015). Collection method: clinical testing. Allele origin: germline.
Comment: This sequence change replaces serine, which is neutral and polar, with leucine, which is neutral and non-polar, at codon 240 of the RELA protein (p.Ser240Leu). This variant is not present in population databases (gnomAD no frequency). This variant has not been reported in the literature in individuals affected with RELA-related conditions. ClinVar contains an entry for this variant (Variation ID: 2539868). An algorithm developed to predict the effect of missense changes on protein structure and function (PolyPhen-2) suggests that this variant is likely to be disruptive. In summary, the available evidence is currently insufficient to determine the role of this variant in disease. Therefore, it has been classified as a Variant of Uncertain Significance.

Ambry Genetics
Classification: Uncertain significance. Last evaluated: 2023-04-24. Review status: criteria provided, single submitter. Criteria: Ambry Variant Classification Scheme 2023. Collection method: clinical testing. Allele origin: germline.